The following is an entry in ClinVar:

ClinVar aggregate classification (germline): Benign/Likely benign. Review status: criteria provided, multiple submitters, no conflicts (2 of 4 stars). 2 submissions from 2 submitters: Benign (1); Likely benign (1). Last evaluated 2026-01-03.

Conditions:
Hereditary cancer-predisposing syndrome. Also called: Tumor predisposition; Neoplastic Syndromes, Hereditary; Hereditary neoplastic syndrome; Hereditary Cancer Syndrome. Identifiers: Orphanet 140162, MedGen C0027672, MeSH D009386, MONDO:0015356.
Pheochromocytoma/paraganglioma syndrome 3. Also called: GLOMUS TUMORS, FAMILIAL, 3; Paragangliomas 3; SDHC-Related Hereditary Paraganglioma-Pheochromocytoma Syndrome (Paragangliomas 3); SDHC-Related Hereditary Paraganglioma-Pheochromocytoma Syndrome. Identifiers: Orphanet 29072, MedGen C1854336, MONDO:0011544, OMIM 605373.

Submissions (2):

Ambry Genetics
Classification: Likely benign for Hereditary cancer-predisposing syndrome. Last evaluated: 2026-01-03. Review status: criteria provided, single submitter. Criteria: Ambry Variant Classification Scheme 2023. Collection method: clinical testing. Allele origin: germline.

Myriad Genetics, Inc.
Classification: Benign for Pheochromocytoma/paraganglioma syndrome 3. Last evaluated: 2025-03-14. Review status: criteria provided, single submitter. Criteria: Myriad Autosomal Dominant, Autosomal Recessive and X-Linked Classification Criteria (2023). Collection method: clinical testing. Allele origin: unknown.
Comment: This variant is considered benign. This variant is a silent/synonymous amino acid change and it is not expected to impact splicing.

NM_003001.5(SDHC):c.316C>T (p.Leu106=)

Gene: SDHC (succinate dehydrogenase complex subunit C; plus strand). Cytogenetic location: 1q23.3.
Variant type: single nucleotide variant.
Coding change: c.316C>T on transcript NM_003001.5 (MANE Select); coding-DNA position 316, C replaced by T.
Protein change: p.Leu106=; no amino-acid change (leucine 106 retained).
Molecular consequence: synonymous variant. On other transcripts: non-coding transcript variant (1), intron variant (3).
Genome position (GRCh38, 1-based): chr1:161,356,751, C>T. VCF-style: chr1-161356751-C-T. GRCh37 (hg19) VCF-style: chr1-161326541-C-T.
Other names: c.214C>T, p.Leu72= (NM_001035512.3); c.157C>T, p.Leu53= (NM_001035513.3); c.436C>T, p.Leu146= (NM_001407115.1); c.259C>T, p.Leu87= (NM_001407116.1); c.253C>T, p.Leu85= (NM_001407117.1); c.208C>T, p.Leu70= (NM_001407118.1); c.205C>T, p.Leu69= (NM_001407119.1, NM_001407120.1); c.242-5578C>T (NM_001035511.3); and 2 more.
Identifiers: ClinVar variation 3904587 (VCV003904587.2).